The following is an entry in ClinVar:

NM_002890.3(RASA1):c.442G>T (p.Ala148Ser)

Gene: RASA1 (RAS p21 protein activator 1; plus strand). Cytogenetic location: 5q14.3.
Variant type: single nucleotide variant.
Coding change: c.442G>T on transcript NM_002890.3 (MANE Select); coding-DNA position 442, G replaced by T.
Protein change: p.Ala148Ser; replaces alanine 148 with serine.
Molecular consequence: missense variant.
Genome position (GRCh38, 1-based): chr5:87,268,893, G>T. VCF-style: chr5-87268893-G-T. GRCh37 (hg19) VCF-style: chr5-86564710-G-T.
Other names: short protein forms A148S.
Identifiers: ClinVar variation 659558 (VCV000659558.12), dbSNP rs765405975, ClinGen allele CA3335435.

ClinVar aggregate classification (germline): Conflicting classifications of pathogenicity. Review status: criteria provided, conflicting classifications (1 of 4 stars). 2 submissions from 2 submitters: Uncertain significance (1); Likely benign (1). Last evaluated 2025-08-06.

Conditions:
Capillary malformation-arteriovenous malformation syndrome. Also called: Capillary malformation-arteriovenous malformation. Identifiers: Orphanet 137667, MedGen C1842180, MONDO:0012016.
Cardiovascular phenotype. Identifiers: MedGen CN230736.

Allele frequency attached by ClinVar (database versions not stated): ExAC 0.00001; gnomAD 0.00001 and 0.00002; gnomAD exomes 0.00002; TOPMed 0.00002.
gnomAD v4.1: 33 of 1,614,050 alleles (0.002%); highest among the groups gnomAD compares: Middle Eastern, 0.016%; no homozygotes.

Submissions (2):

Labcorp Genetics (formerly Invitae), Labcorp
Classification: Uncertain significance for Capillary malformation-arteriovenous malformation syndrome. Last evaluated: 2025-08-06. Review status: criteria provided, single submitter. Criteria: Invitae Variant Classification Sherloc (09022015). Collection method: clinical testing. Allele origin: germline.
Comment: This sequence change replaces alanine, which is neutral and non-polar, with serine, which is neutral and polar, at codon 148 of the RASA1 protein (p.Ala148Ser). This variant is present in population databases (rs765405975, gnomAD 0.006%). This variant has not been reported in the literature in individuals affected with RASA1-related conditions. ClinVar contains an entry for this variant (Variation ID: 659558). An algorithm developed to predict the effect of missense changes on protein structure and function outputs the following: PolyPhen-2: "Benign". The serine amino acid residue is found in multiple mammalian species, which suggests that this missense change does not adversely affect protein function. In summary, the available evidence is currently insufficient to determine the role of this variant in disease. Therefore, it has been classified as a Variant of Uncertain Significance.

Ambry Genetics
Classification: Likely benign for Cardiovascular phenotype. Last evaluated: 2022-11-02. Review status: criteria provided, single submitter. Criteria: Ambry Variant Classification Scheme 2023. Collection method: clinical testing. Allele origin: germline.